The following is an entry in ClinVar:

ClinVar aggregate classification (germline): Conflicting classifications of pathogenicity. Review status: criteria provided, conflicting classifications (1 of 4 stars). 3 submissions from 3 submitters: Uncertain significance (1); Likely benign (2). Last evaluated 2025-11-09.

Conditions:
Neuropathy, hereditary sensory and autonomic, type 2A (HSAN2A). Also called: HSAN IIA; ACROOSTEOLYSIS, GIACCAI TYPE; ACROOSTEOLYSIS, NEUROGENIC; WNK1-Related HSAN2 (HSAN2A); MORVAN DISEASE; NEUROPATHY, CONGENITAL SENSORY. Identifiers: Orphanet 970, MedGen C2752089, MONDO:0024309, OMIM 201300.
Pseudohypoaldosteronism type 2C (PHA2C). Also called: Pseudohypoaldosteronism Type IIC. Identifiers: Orphanet 757, Orphanet 88940, MedGen C1840391, MONDO:0013778, OMIM 614492.

Allele frequency attached by ClinVar (database versions not stated): gnomAD exomes below 0.00001; ExAC 0.00001; TOPMed 0.00001; gnomAD 0.00002; ESP Exome Variant Server 0.00008.
gnomAD v4.1: 17 of 1,614,054 alleles (0.0011%); highest among the groups gnomAD compares: East Asian, 0.0045%; no homozygotes.

Submissions (4):

Labcorp Genetics (formerly Invitae), Labcorp
Classification: Likely benign for Neuropathy, hereditary sensory and autonomic, type 2A; Pseudohypoaldosteronism type 2C. Last evaluated: 2025-11-09. Review status: criteria provided, single submitter. Criteria: Invitae Variant Classification Sherloc (09022015). Collection method: clinical testing. Allele origin: germline.

CeGaT Center for Human Genetics Tuebingen
Classification: Likely benign. Last evaluated: 2023-03-01. Review status: criteria provided, single submitter. Criteria: CeGaT Center For Human Genetics Tuebingen Variant Classification Criteria Version 2. Collection method: clinical testing. Allele origin: germline. Affected: yes. Observed: 1 variant allele.
Comment: WNK1: BP4, BP7

Fulgent Genetics
Classification: Uncertain significance for Neuropathy, hereditary sensory and autonomic, type 2A; Pseudohypoaldosteronism type 2C. Last evaluated: 2021-11-04. Review status: criteria provided, single submitter. Criteria: ACMG Guidelines, 2015. Collection method: clinical testing. Allele origin: unknown.

Dr. Peter K. Rogan Lab, Western University
No classification provided (evidence only). Condition: Ovarian serous cystadenocarcinoma. Review status: no classification provided. Collection method: in vitro. Allele origin: not applicable. Functional consequence: retained intron. Not counted in ClinVar's aggregate classification.

NM_018979.4(WNK1):c.5325C>T (p.Ser1775=)

Gene: WNK1 (WNK lysine deficient protein kinase 1; plus strand). Cytogenetic location: 12p13.33.
Variant type: single nucleotide variant.
Coding change: c.5325C>T on transcript NM_018979.4 (MANE Select); coding-DNA position 5325, C replaced by T.
Protein change: p.Ser1775=; no amino-acid change (serine 1775 retained).
Molecular consequence: synonymous variant.
Genome position (GRCh38, 1-based): chr12:887,265, C>T. VCF-style: chr12-887265-C-T. GRCh37 (hg19) VCF-style: chr12-996431-C-T.
Other names: c.6105C>T, p.Ser2035= (NM_001184985.2); c.4584C>T, p.Ser1528= (NM_014823.3); c.6081C>T, p.Ser2027= (NM_213655.5).
Identifiers: ClinVar variation 1057218 (VCV001057218.34), dbSNP rs373370309, ClinGen allele CA6383134.